The following is an entry in ClinVar:

ClinVar aggregate classification (germline): Uncertain significance. Review status: criteria provided, multiple submitters, no conflicts (2 of 4 stars). 2 submissions from 2 submitters: Uncertain significance (2). Last evaluated 2025-06-03.

Conditions:
Inborn genetic diseases. Identifiers: MedGen C0950123, MeSH D030342.

gnomAD v4.1: 3 of 1,490,930 alleles (0.0002%); highest among the groups gnomAD compares: Non-Finnish European, 0.00027%; no homozygotes.

Submissions (2):

Ambry Genetics
Classification: Uncertain significance for Inborn genetic diseases. Last evaluated: 2025-06-03. Review status: criteria provided, single submitter. Criteria: Ambry Variant Classification Scheme 2023. Collection method: clinical testing. Allele origin: germline.

GeneDx
Classification: Uncertain significance. Last evaluated: 2024-07-10. Review status: criteria provided, single submitter. Criteria: GeneDx Variant Classification Process June 2021. Collection method: clinical testing. Allele origin: germline. Affected: yes.
Comment: Not observed at significant frequency in large population cohorts (gnomAD); In silico analysis indicates that this missense variant does not alter protein structure/function; Has not been previously published as pathogenic or benign to our knowledge

NM_005585.5(SMAD6):c.50G>A (p.Arg17His)

Gene: SMAD6 (SMAD family member 6; plus strand). Cytogenetic location: 15q22.31.
Variant type: single nucleotide variant.
Coding change: c.50G>A on transcript NM_005585.5 (MANE Select); coding-DNA position 50, G replaced by A.
Protein change: p.Arg17His; replaces arginine 17 with histidine.
Molecular consequence: missense variant. On other transcripts: non-coding transcript variant (1).
Genome position (GRCh38, 1-based): chr15:66,703,308, G>A. VCF-style: chr15-66703308-G-A. GRCh37 (hg19) VCF-style: chr15-66995646-G-A.
Other names: short protein forms R17H.
Identifiers: ClinVar variation 3224796 (VCV003224796.3), dbSNP rs1893017363, ClinGen allele CA392948382.